The following is an entry in ClinVar:

ClinVar aggregate classification (germline): Pathogenic (1 of 4 stars; one submission).

Conditions:
Isolated microphthalmia 5. Also called: Posterior Microphthalmia with Retinitis Pigmentosa, Foveoschisis, and Optic Disc Drusen. Identifiers: Orphanet 251279, MedGen C1970236, MONDO:0012605, OMIM 611040.

Allele frequency attached by ClinVar (database versions not stated): gnomAD exomes below 0.00001.
gnomAD v4.1: 3 of 1,613,720 alleles (0.00019%); highest among the groups gnomAD compares: Non-Finnish European, 0.00025%; no homozygotes.

Submission:

Labcorp Genetics (formerly Invitae), Labcorp
Classification: Pathogenic for Isolated microphthalmia 5. Last evaluated: 2024-10-26. Review status: criteria provided, single submitter. Criteria: Invitae Variant Classification Sherloc (09022015). Collection method: clinical testing. Allele origin: germline.
Comment: This sequence change affects a donor splice site in intron 5 of the MFRP gene. It is expected to disrupt RNA splicing. Variants that disrupt the donor or acceptor splice site typically lead to a loss of protein function (PMID: 16199547), and loss-of-function variants in MFRP are known to be pathogenic (PMID: 12140190, 15976030, 20361016). This variant is present in population databases (no rsID available, gnomAD 0.007%). Disruption of this splice site has been observed in individual(s) with MFRP-related conditions (PMID: 32118495). In at least one individual the data is consistent with being in trans (on the opposite chromosome) from a pathogenic variant. ClinVar contains an entry for this variant (Variation ID: 842991). Algorithms developed to predict the effect of sequence changes on RNA splicing suggest that this variant may disrupt the consensus splice site. For these reasons, this variant has been classified as Pathogenic.

Literature cited by the submitters: PubMed 16199547; PubMed 12140190; PubMed 15976030; PubMed 20361016; PubMed 32118495.

NM_031433.4(MFRP):c.641+1G>A

Genes: C1QTNF5 (C1q and TNF related 5; minus strand), MFRP (membrane frizzled-related protein; minus strand). Cytogenetic location: 11q23.3.
Variant type: single nucleotide variant.
Coding change: c.641+1G>A on transcript NM_031433.4 (MANE Select); the canonical splice donor site of the intron after coding-DNA position 641, G replaced by A.
Molecular consequence: splice donor variant.
Genome position (GRCh38, 1-based): chr11:119,345,419, C>T on the plus strand (G>A on the coding strand, the complement: MFRP is on the minus strand). VCF-style: chr11-119345419-C-T. GRCh37 (hg19) VCF-style: chr11-119216129-C-T.
Other names: c.-1996+1G>A (NM_015645.5).
Identifiers: ClinVar variation 842991 (VCV000842991.8), dbSNP rs1226217440, ClinGen allele CA382977857.
Genomic context (GRCh38, chr11:119,345,419, plus strand): 5'-TTCTGCTCTTTAGATAGTGGTTCAGGACACGGTGGGATGTCCTGGGGACAGAGGGACCTA[C>T]CTGAGGAGGGGGCCTTCAGGCTCAGGGGAGAGTTCCAAGCGATCAAAAAGGCAAGAGGCC-3'